The following is an entry in ClinVar:

NM_006306.4(SMC1A):c.2350A>G (p.Ile784Val)

Gene: SMC1A (structural maintenance of chromosomes 1A; minus strand). Cytogenetic location: Xp11.22.
Variant type: single nucleotide variant.
Coding change: c.2350A>G on transcript NM_006306.4 (MANE Select); coding-DNA position 2350, A replaced by G.
Protein change: p.Ile784Val; replaces isoleucine 784 with valine.
Molecular consequence: missense variant.
Genome position (GRCh38, 1-based): chrX:53,403,636, T>C on the plus strand (A>G on the coding strand, the complement: SMC1A is on the minus strand). VCF-style: chrX-53403636-T-C. GRCh37 (hg19) VCF-style: chrX-53430568-T-C.
Other names: NC_000023.10:g.53430568T>C; c.2284A>G, p.Ile762Val (NM_001281463.1); short protein forms I784V, I762V.
Identifiers: ClinVar variation 159949 (VCV000159949.8), dbSNP rs587784411, ClinGen allele CA272545.

ClinVar aggregate classification (germline): Uncertain significance. Review status: criteria provided, multiple submitters, no conflicts (2 of 4 stars). 2 submissions from 2 submitters: Uncertain significance (2). Last evaluated 2025-05-13.

Conditions:
Inborn genetic diseases. Identifiers: MedGen C0950123, MeSH D030342.
Congenital muscular hypertrophy-cerebral syndrome (CDLS2). Also called: SMC1A-Related Cornelia de Lange Syndrome; Cornelia de Lange syndrome 2. Identifiers: Orphanet 199, MedGen C1802395, MONDO:0010370, OMIM 300590.

Submissions (3):

Ambry Genetics
Classification: Uncertain significance for Inborn genetic diseases. Last evaluated: 2025-05-13. Review status: criteria provided, single submitter. Criteria: Ambry Variant Classification Scheme 2023. Collection method: clinical testing. Allele origin: germline.
Comment: The c.2350A>G (p.I784V) alteration is located in exon 15 (coding exon 15) of the SMC1A gene. This alteration results from an A to G substitution at nucleotide position 2350, causing the isoleucine (I) at amino acid position 784 to be replaced by a valine (V). This variant was not reported in population-based cohorts in the Genome Aggregation Database (gnomAD). Another variant at the same codon, c.2351T>C (p.I784T), has been identified in individuals with features consistent with Cornelia de Lange syndrome (Limongelli, 2010; Fieremans, 2016; Ambry internal data). This amino acid position is highly conserved in available vertebrate species. This missense alteration is located in a region that has a low rate of benign missense variation (Lek, 2016; Firth, 2009). This alteration is predicted to be tolerated by in silico analysis. Based on insufficient or conflicting evidence, the clinical significance of this alteration remains unclear.

Genetic Services Laboratory, University of Chicago
Classification: Uncertain significance for Cornelia de Lange syndrome 2. Last evaluated: 2013-02-08. Review status: criteria provided, single submitter. Criteria: ACMG Guidelines, 2007. Collection method: clinical testing. Allele origin: germline. Inheritance: X-linked inheritance.

Dr. Peter K. Rogan Lab, Western University
No classification provided (evidence only). Condition: Nonpapillary renal cell carcinoma. Review status: no classification provided. Collection method: in vitro. Allele origin: not applicable. Functional consequence: retained intron. Not counted in ClinVar's aggregate classification.

Literature cited by the submitters: PubMed 20635401 (cited by Ambry Genetics).